The following is an entry in ClinVar:

NM_025132.4(WDR19):c.13+15G>A

Gene: WDR19 (WD repeat domain 19; plus strand). Cytogenetic location: 4p14.
Variant type: single nucleotide variant.
Coding change: c.13+15G>A on transcript NM_025132.4 (MANE Select); 15 bases into the intron after coding-DNA position 13, G replaced by A.
Molecular consequence: intron variant.
Genome position (GRCh38, 1-based): chr4:39,278,678, G>A. VCF-style: chr4-39278678-G-A. GRCh37 (hg19) VCF-style: chr4-39280298-G-A.
Other names: c.13+15G>A (NM_001317924.2); c.*13+15G>A (NM_025132.4).
Identifiers: ClinVar variation 348758 (VCV000348758.6), dbSNP rs150633358, ClinGen allele CA2892566.

ClinVar aggregate classification (germline): Benign/Likely benign. Review status: criteria provided, multiple submitters, no conflicts (2 of 4 stars). 3 submissions from 2 submitters: Benign (1); Likely benign (2). Last evaluated 2021-08-24.

Conditions:
Cranioectodermal dysplasia 4 (CED4). Identifiers: Orphanet 1515, MedGen C3280616, MONDO:0013719, OMIM 614378.
Spermatogenic failure 72 (SPGF72). Identifiers: MedGen C5676980, MONDO:0030809, OMIM 619867.
Senior-Loken syndrome 8 (SLSN8). Identifiers: Orphanet 3156, MedGen C4225376, MONDO:0014579, OMIM 616307.
Asphyxiating thoracic dystrophy 5 (SRTD5). Also called: SHORT-RIB THORACIC DYSPLASIA 5 WITHOUT POLYDACTYLY; SHORT-RIB THORACIC DYSPLASIA 5 WITH OR WITHOUT POLYDACTYLY. Identifiers: Orphanet 474, MedGen C3280598, MONDO:0013717, OMIM 614376.
Nephronophthisis 13 (NPHP13). Identifiers: Orphanet 655, MedGen C3280612, MONDO:0013718, OMIM 614377.

Allele frequency attached by ClinVar (database versions not stated): gnomAD 0.00041 and 0.00058; TOPMed 0.00066; ExAC 0.00112; 1000 Genomes Project 0.00120; gnomAD exomes 0.00126; 1000 Genomes Project 30x 0.00172.

Submissions (3):

Fulgent Genetics
Classification: Likely benign for Asphyxiating thoracic dystrophy 5; Nephronophthisis 13; Cranioectodermal dysplasia 4; Senior-Loken syndrome 8; Spermatogenic failure 72. Last evaluated: 2021-08-24. Review status: criteria provided, single submitter. Criteria: ACMG Guidelines, 2015. Collection method: clinical testing. Allele origin: unknown.

Illumina Laboratory Services, Illumina
Classification: Benign for Cranioectodermal dysplasia 4. Last evaluated: 2018-01-13. Review status: criteria provided, single submitter. Criteria: ICSL Variant Classification Criteria 13 December 2019. Collection method: clinical testing. Allele origin: germline.
Comment: This variant was observed in the ICSL laboratory as part of a predisposition screen in an ostensibly healthy population. It had not been previously curated by ICSL or reported in the Human Gene Mutation Database (HGMD: prior to June 1st, 2018), and was therefore a candidate for classification through an automated scoring system. Utilizing variant allele frequency, disease prevalence and penetrance estimates, and inheritance mode, an automated score was calculated to assess if this variant is too frequent to cause the disease. Based on the score and internal cut-off values, a variant classified as benign is not then subjected to further curation. The score for this variant resulted in a classification of benign for this disease.

Illumina Laboratory Services, Illumina
Classification: Likely benign for Asphyxiating thoracic dystrophy 5. Last evaluated: 2018-01-13. Review status: criteria provided, single submitter. Criteria: ICSL Variant Classification Criteria 13 December 2019. Collection method: clinical testing. Allele origin: germline.
Comment: This variant was observed in the ICSL laboratory as part of a predisposition screen in an ostensibly healthy population. It had not been previously curated by ICSL or reported in the Human Gene Mutation Database (HGMD: prior to June 1st, 2018), and was therefore a candidate for classification through an automated scoring system. Utilizing variant allele frequency, disease prevalence and penetrance estimates, and inheritance mode, an automated score was calculated to assess if this variant is too frequent to cause the disease. Based on the score and internal cut-off values, a variant classified as likely benign is not then subjected to further curation. The score for this variant resulted in a classification of likely benign for this disease.